The following is an entry in ClinVar:

NM_001270.4(CHD1):c.331C>T (p.Gln111Ter)

Gene: CHD1 (chromodomain helicase DNA binding protein 1; minus strand). Cytogenetic location: 5q21.1.
Variant type: single nucleotide variant.
Coding change: c.331C>T on transcript NM_001270.4 (MANE Select); coding-DNA position 331, C replaced by T.
Protein change: p.Gln111Ter; replaces glutamine 111 with a stop codon.
Molecular consequence: nonsense. On other transcripts: non-coding transcript variant (2).
Genome position (GRCh38, 1-based): chr5:98,903,833, G>A on the plus strand (C>T on the coding strand, the complement: CHD1 is on the minus strand). VCF-style: chr5-98903833-G-A. GRCh37 (hg19) VCF-style: chr5-98239537-G-A.
Other names: c.331C>T, p.Gln111Ter (NM_001364113.3, NM_001376194.2); short protein forms Q111*.
Identifiers: ClinVar variation 4756012 (VCV004756012.1).

ClinVar aggregate classification (germline): Uncertain significance (1 of 4 stars; one submission).

Submission:

GeneDx
Classification: Uncertain significance. Last evaluated: 2025-08-07. Review status: criteria provided, single submitter. Criteria: GeneDx Variant Classification Process June 2021. Collection method: clinical testing. Allele origin: germline. Affected: yes.
Comment: Not observed at significant frequency in large population cohorts (gnomAD); Nonsense variant predicted to result in protein truncation or nonsense mediated decay in a gene or region of a gene for which loss of function is not a well-established mechanism of disease; Has not been previously published as pathogenic or benign to our knowledge